The following is an entry in ClinVar:

NM_000744.7(CHRNA4):c.808G>A (p.Glu270Lys)

Gene: CHRNA4 (cholinergic receptor nicotinic alpha 4 subunit; minus strand). Cytogenetic location: 20q13.33.
Variant type: single nucleotide variant.
Coding change: c.808G>A on transcript NM_000744.7 (MANE Select); coding-DNA position 808, G replaced by A.
Protein change: p.Glu270Lys; replaces glutamic acid 270 with lysine.
Molecular consequence: missense variant. On other transcripts: non-coding transcript variant (1).
Genome position (GRCh38, 1-based): chr20:63,350,603, C>T on the plus strand (G>A on the coding strand, the complement: CHRNA4 is on the minus strand). VCF-style: chr20-63350603-C-T. GRCh37 (hg19) VCF-style: chr20-61981955-C-T.
Other names: c.808G>A (NM_000744.5); c.280G>A, p.Glu94Lys (NM_001256573.2); short protein forms E270K, E94K.
Identifiers: ClinVar variation 938515 (VCV000938515.12), dbSNP rs765977956, ClinGen allele CA9957722.
Genomic context (GRCh38, chr20:63,350,603, plus strand): 5'-GCAGGAAGACGGTGAGCGACAGCAGCACGGAGATGCACAGCGTGATCTTCTCGCCACACT[C>T]GGAGGGCAGGTAGAAGACCAGCACGGTGAGGCAGGAGATGAGCAGGCAGGGGATGATGAG-3'
Protein context (NP_000735.1, residues 260-280): LTVLVFYLPS[Glu270Lys]CGEKITLCIS

ClinVar aggregate classification (germline): Uncertain significance. Review status: criteria provided, multiple submitters, no conflicts (2 of 4 stars). 2 submissions from 2 submitters: Uncertain significance (2). Last evaluated 2025-04-08.

Conditions:
Familial sleep-related hypermotor epilepsy. Also called: Autosomal Dominant Sleep-Related Hypermotor (Hyperkinetic) Epilepsy. Identifiers: Orphanet 98784, MedGen C3696898, MONDO:0000030.
Inborn genetic diseases. Identifiers: MedGen C0950123, MeSH D030342.

Allele frequency attached by ClinVar (database versions not stated): ExAC 0.00002; gnomAD exomes 0.00002.
gnomAD v4.1: 15 of 1,613,788 alleles (0.00093%); highest among the groups gnomAD compares: South Asian, 0.0088%; no homozygotes.

Submissions (2):

Ambry Genetics
Classification: Uncertain significance for Inborn genetic diseases. Last evaluated: 2025-04-08. Review status: criteria provided, single submitter. Criteria: Ambry Variant Classification Scheme 2023. Collection method: clinical testing. Allele origin: germline.

Labcorp Genetics (formerly Invitae), Labcorp
Classification: Uncertain significance. Last evaluated: 2024-11-05. Review status: criteria provided, single submitter. Criteria: Invitae Variant Classification Sherloc (09022015). Collection method: clinical testing. Allele origin: germline.
Comment: This sequence change replaces glutamic acid, which is acidic and polar, with lysine, which is basic and polar, at codon 270 of the CHRNA4 protein (p.Glu270Lys). This variant is present in population databases (rs765977956, gnomAD 0.01%). This variant has not been reported in the literature in individuals affected with CHRNA4-related conditions. ClinVar contains an entry for this variant (Variation ID: 938515). Invitae Evidence Modeling of protein sequence and biophysical properties (such as structural, functional, and spatial information, amino acid conservation, physicochemical variation, residue mobility, and thermodynamic stability) indicates that this missense variant is not expected to disrupt CHRNA4 protein function with a negative predictive value of 80%. In summary, the available evidence is currently insufficient to determine the role of this variant in disease. Therefore, it has been classified as a Variant of Uncertain Significance.